The following is an entry in ClinVar:

NM_000632.4(ITGAM):c.2615C>G (p.Pro872Arg)

Gene: ITGAM (integrin subunit alpha M; plus strand). Cytogenetic location: 16p11.2.
Variant type: single nucleotide variant.
Coding change: c.2615C>G on transcript NM_000632.4 (MANE Select); coding-DNA position 2615, C replaced by G.
Protein change: p.Pro872Arg; replaces proline 872 with arginine.
Molecular consequence: missense variant.
Genome position (GRCh38, 1-based): chr16:31,325,609, C>G. VCF-style: chr16-31325609-C-G. GRCh37 (hg19) VCF-style: chr16-31336930-C-G.
Other names: c.2615C>G (NM_000632.3); c.2618C>G, p.Pro873Arg (NM_001145808.2); short protein forms P872R, P873R.
Identifiers: ClinVar variation 1954357 (VCV001954357.6), dbSNP rs769730321, ClinGen allele CA8025877.
Genomic context (GRCh38, chr16:31,325,609, plus strand): 5'-CCACCGAAGTGTCTGGGGCCTTGAAGAGCACCAGCTGCAGCATAAACCACCCCATCTTCC[C>G]GGAAAACTCAGAGGTCAGAACTCCTGGCTCCTCCCCTCCTTTTCTCTTTGATTTCTTTGG-3'
Protein context (NP_000623.2, residues 862-882): TSCSINHPIF[Pro872Arg]ENSEVTFNIT

ClinVar aggregate classification (germline): Uncertain significance. Review status: criteria provided, multiple submitters, no conflicts (2 of 4 stars). 2 submissions from 2 submitters: Uncertain significance (2). Last evaluated 2026-01-01.

Allele frequency attached by ClinVar (database versions not stated): ExAC 0.00001; TOPMed 0.00005.
gnomAD v4.1: 10 of 1,613,652 alleles (0.00062%); highest among the groups gnomAD compares: African/African-American, 0.0093%; no homozygotes.

Submissions (2):

Labcorp Genetics (formerly Invitae), Labcorp
Classification: Uncertain significance. Last evaluated: 2026-01-01. Review status: criteria provided, single submitter. Criteria: Invitae Variant Classification Sherloc (09022015). Collection method: clinical testing. Allele origin: germline.
Comment: This sequence change replaces proline, which is neutral and non-polar, with arginine, which is basic and polar, at codon 872 of the ITGAM protein (p.Pro872Arg). This variant is present in population databases (rs769730321, gnomAD 0.03%). This variant has not been reported in the literature in individuals affected with ITGAM-related conditions. ClinVar contains an entry for this variant (Variation ID: 1954357). An algorithm developed to predict the effect of missense changes on protein structure and function outputs the following: PolyPhen-2: "Possibly Damaging". The arginine amino acid residue is found in multiple mammalian species, which suggests that this missense change does not adversely affect protein function. In summary, the available evidence is currently insufficient to determine the role of this variant in disease. Therefore, it has been classified as a Variant of Uncertain Significance.

Ambry Genetics
Classification: Uncertain significance. Last evaluated: 2024-12-04. Review status: criteria provided, single submitter. Criteria: Ambry Variant Classification Scheme 2023. Collection method: clinical testing. Allele origin: germline.